The following is an entry in ClinVar:

ClinVar aggregate classification (germline): Uncertain significance. Review status: reviewed by expert panel (3 of 4 stars). 2 submissions from 2 submitters: Uncertain significance (1). 1 of the submissions does not count toward it. Last evaluated 2026-01-06.

Conditions:
Von Willebrand disease type 2A. Identifiers: Orphanet 166084, MedGen C1282968, MONDO:0015628. Inheritance: Autosomal recessive or autosomal dominant.

gnomAD v4.1: 1 of 1,613,210 alleles (0.000062%); no homozygotes.

Submissions (2):

ClinGen von Willebrand Disease Variant Curation Expert Panel, ClinGen
Classification: Uncertain significance for Von Willebrand disease type 2A. Last evaluated: 2026-01-06. Review status: reviewed by expert panel. Criteria: ClinGen VWD 2A B M Rules. Collection method: curation. Allele origin: germline. Inheritance: Autosomal dominant inheritance.
Comment: The c.4969C>A variant in VWF is a missense variant predicted to cause substitution of Leucine by Isoleucine at amino acid 1657 (p.Leu1657Ile). At least 1 patient with this variant displayed excessive mucocutaneous bleeding as well as laboratory phenotypes of very low VWF activity (VWF:RCo of 0.05), low activity/VWF:Ag ratio (VWF:RCo / VWF:Ag of 0.06) and loss of high molecular weight multimers, which together are highly specific for VWD type 2A. Additional consistent phenotypes were also reported in the patient including FVIII activity less than 0.7 (PP4_moderate, PMID:11019957). The MAF allele frequency in gnomAD v4.1 is 0.00001602 (based on 1/62430 alleles) in the Remaining population, which is lower than the ClinGen VWD VCEP threshold of <0.0001 for type 2A (PM2_Supporting). In summary, this variant meets the criteria to be classified as VUS for autosomal dominant von Willebrand disease type 2A based on the ACMG/AMP criteria applied, as specified by the ClinGen VWD VCEP: PP4_Moderate and PM2_Supporting (VCEP specifications version 1.0.0).

Academic Unit of Haematology, University of Sheffield
No classification provided. Review status: no classification provided. Collection method: not provided. Allele origin: not provided. Not counted in ClinVar's aggregate classification.

NM_000552.5(VWF):c.4969C>A (p.Leu1657Ile)

Gene: VWF (von Willebrand factor; minus strand). Cytogenetic location: 12p13.31.
Variant type: single nucleotide variant.
Coding change: c.4969C>A on transcript NM_000552.5 (MANE Select); coding-DNA position 4969, C replaced by A.
Protein change: p.Leu1657Ile; replaces leucine 1657 with isoleucine.
Molecular consequence: missense variant.
Genome position (GRCh38, 1-based): chr12:6,018,449, G>T on the plus strand (C>A on the coding strand, the complement: VWF is on the minus strand). VCF-style: chr12-6018449-G-T. GRCh37 (hg19) VCF-style: chr12-6127615-G-T.
Other names: NM_000552.5(VWF):c.4969C>A; p.Leu1657Ile; short protein forms L1657I.
Identifiers: ClinVar variation 100408 (VCV000100408.2), dbSNP rs61750592, ClinGen allele CA228685.
Genomic context (GRCh38, chr12:6,018,449, plus strand): 5'-TCTGCAGCCCCTCTCCGGAGCAGCACCTCTGCAGCACCAGGTCAGGAGCCTCTCGGGGGA[G>T]CGTCTCAAAGTCCTGGATGAGGATAGGGGCATTGGGCCAGCCAATCCTCTCCAGCTCCTG-3'
Protein context (NP_000543.3, residues 1647-1667): APILIQDFET[Leu1657Ile]PREAPDLVLQ